The following is an entry in ClinVar:

ClinVar aggregate classification (germline): Uncertain significance (1 of 4 stars; one submission).

Conditions:
Bloom syndrome (BLM). Also called: Bloom-Torre-Machacek syndrome. Identifiers: Orphanet 125, MedGen C0005859, MONDO:0008876, OMIM 210900.

Submission:

Labcorp Genetics (formerly Invitae), Labcorp
Classification: Uncertain significance for Bloom syndrome. Last evaluated: 2022-11-01. Review status: criteria provided, single submitter. Criteria: Invitae Variant Classification Sherloc (09022015). Collection method: clinical testing. Allele origin: germline.
Comment: This sequence change replaces arginine, which is basic and polar, with glycine, which is neutral and non-polar, at codon 1037 of the BLM protein (p.Arg1037Gly). This variant is not present in population databases (gnomAD no frequency). This variant has not been reported in the literature in individuals affected with BLM-related conditions. ClinVar contains an entry for this variant (Variation ID: 1063331). Advanced modeling of protein sequence and biophysical properties (such as structural, functional, and spatial information, amino acid conservation, physicochemical variation, residue mobility, and thermodynamic stability) performed at Invitae indicates that this missense variant is expected to disrupt BLM protein function. In summary, the available evidence is currently insufficient to determine the role of this variant in disease. Therefore, it has been classified as a Variant of Uncertain Significance.

NM_000057.4(BLM):c.3109A>G (p.Arg1037Gly)

Gene: BLM (BLM RecQ like helicase; plus strand). Cytogenetic location: 15q26.1.
Variant type: single nucleotide variant.
Coding change: c.3109A>G on transcript NM_000057.4 (MANE Select); coding-DNA position 3109, A replaced by G.
Protein change: p.Arg1037Gly; replaces arginine 1037 with glycine.
Molecular consequence: missense variant.
Genome position (GRCh38, 1-based): chr15:90,794,256, A>G. VCF-style: chr15-90794256-A-G. GRCh37 (hg19) VCF-style: chr15-91337486-A-G.
Other names: c.3109A>G, p.Arg1037Gly (NM_001287246.2, NM_001287247.2); c.1984A>G, p.Arg662Gly (NM_001287248.2); short protein forms R1037G, R662G.
Identifiers: ClinVar variation 1063331 (VCV001063331.8), dbSNP rs2151187299, ClinGen allele CA393846853.
Genomic context (GRCh38, chr15:90,794,256, plus strand): 5'-GAAACTCACTTCAATAATTTGTATAGCATGGTACATTACTGTGAAAATATAACGGAATGC[A>G]GGAGAATACAGCTTTTGGCCTACTTTGGTGAAAATGGATTTAATCCTGATTTTTGTAAGA-3'
Protein context (NP_000048.1, residues 1027-1047): VHYCENITEC[Arg1037Gly]RIQLLAYFGE